The following is an entry in ClinVar:

NM_007214.5(SEC63):c.1877C>T (p.Ala626Val)

Gene: SEC63 (SEC63 protein translocation regulator; minus strand). Cytogenetic location: 6q21.
Variant type: single nucleotide variant.
Coding change: c.1877C>T on transcript NM_007214.5 (MANE Select); coding-DNA position 1877, C replaced by T.
Protein change: p.Ala626Val; replaces alanine 626 with valine.
Molecular consequence: missense variant.
Genome position (GRCh38, 1-based): chr6:107,881,207, G>A on the plus strand (C>T on the coding strand, the complement: SEC63 is on the minus strand). VCF-style: chr6-107881207-G-A. GRCh37 (hg19) VCF-style: chr6-108202411-G-A.
Other names: short protein forms A626V.
Identifiers: ClinVar variation 3012770 (VCV003012770.3), dbSNP rs1201878733, ClinGen allele CA365329755.

ClinVar aggregate classification (germline): Uncertain significance (1 of 4 stars; one submission).

Allele frequency attached by ClinVar (database versions not stated): TOPMed 0.00004; gnomAD 0.00005.
gnomAD v4.1: 12 of 1,612,954 alleles (0.00074%); highest among the groups gnomAD compares: Admixed American, 0.018%; no homozygotes.

Submission:

Labcorp Genetics (formerly Invitae), Labcorp
Classification: Uncertain significance. Last evaluated: 2024-10-23. Review status: criteria provided, single submitter. Criteria: Invitae Variant Classification Sherloc (09022015). Collection method: clinical testing. Allele origin: germline.
Comment: This sequence change replaces alanine, which is neutral and non-polar, with valine, which is neutral and non-polar, at codon 626 of the SEC63 protein (p.Ala626Val). This variant is present in population databases (no rsID available, gnomAD 0.009%). This variant has not been reported in the literature in individuals affected with SEC63-related conditions. An algorithm developed to predict the effect of missense changes on protein structure and function (PolyPhen-2) suggests that this variant is likely to be disruptive. In summary, the available evidence is currently insufficient to determine the role of this variant in disease. Therefore, it has been classified as a Variant of Uncertain Significance.